The following is an entry in ClinVar:

ClinVar aggregate classification (germline): Uncertain significance. Review status: criteria provided, multiple submitters, no conflicts (2 of 4 stars). 2 submissions from 2 submitters: Uncertain significance (2). Last evaluated 2025-08-03.

Conditions:
Inborn genetic diseases. Identifiers: MedGen C0950123, MeSH D030342.

Allele frequency attached by ClinVar (database versions not stated): ExAC 0.00002; gnomAD exomes 0.00004.
gnomAD v4.1: 9 of 1,613,534 alleles (0.00056%); highest among the groups gnomAD compares: East Asian, 0.02%; no homozygotes.

Submissions (2):

GeneDx
Classification: Uncertain significance. Last evaluated: 2025-08-03. Review status: criteria provided, single submitter. Criteria: GeneDx Variant Classification Process June 2021. Collection method: clinical testing. Allele origin: germline. Affected: yes.
Comment: In silico analysis suggests that this missense variant does not alter protein structure/function; Has not been previously published as pathogenic or benign to our knowledge

Ambry Genetics
Classification: Uncertain significance for Inborn genetic diseases. Last evaluated: 2024-01-16. Review status: criteria provided, single submitter. Criteria: Ambry Variant Classification Scheme 2023. Collection method: clinical testing. Allele origin: germline.

NM_001170535.3(ATAD3A):c.1667C>T (p.Thr556Ile)

Gene: ATAD3A (ATPase family AAA domain containing 3A; plus strand). Cytogenetic location: 1p36.33.
Variant type: single nucleotide variant.
Coding change: c.1667C>T on transcript NM_001170535.3 (MANE Select); coding-DNA position 1667, C replaced by T.
Protein change: p.Thr556Ile; replaces threonine 556 with isoleucine.
Molecular consequence: missense variant.
Genome position (GRCh38, 1-based): chr1:1,533,978, C>T. VCF-style: chr1-1533978-C-T. GRCh37 (hg19) VCF-style: chr1-1469358-C-T.
Other names: c.1430C>T, p.Thr477Ile (NM_001170536.3); c.1811C>T, p.Thr604Ile (NM_018188.5); c.1811C>T (NM_018188.3); short protein forms T477I, T556I, T604I.
Identifiers: ClinVar variation 1327714 (VCV001327714.4), dbSNP rs768695467, ClinGen allele CA526539.